The following is an entry in ClinVar:

ClinVar aggregate classification (germline): Likely benign. Review status: criteria provided, multiple submitters, no conflicts (2 of 4 stars). 2 submissions from 2 submitters: Likely benign (2). Last evaluated 2026-09-01.

Allele frequency attached by ClinVar (database versions not stated): 1000 Genomes Project 30x 0.00156; 1000 Genomes Project 0.00160; gnomAD 0.00239 and 0.00240; gnomAD exomes 0.00281; ExAC 0.00284.
gnomAD v4.1: 4,572 of 1,550,594 alleles (0.29%); highest among the groups gnomAD compares: Non-Finnish European, 0.33%; 8 homozygotes.

Submissions (2):

CeGaT Center for Human Genetics Tuebingen
Classification: Likely benign. Last evaluated: 2026-09-01. Review status: criteria provided, single submitter. Criteria: CeGaT Center For Human Genetics Tuebingen Variant Classification Criteria Version 2. Collection method: clinical testing. Allele origin: germline. Affected: yes. Observed: 30 variant alleles.
Comment: MBD5: BP4, BS1

Blueprint Genetics
Classification: Likely benign. Last evaluated: 2023-03-14. Review status: criteria provided, single submitter. Criteria: ACMG Guidelines, 2015. Collection method: clinical testing. Allele origin: germline.

NM_001378120.1(MBD5):c.3169C>T (p.Pro1057Ser)

Gene: MBD5 (methyl-CpG binding domain protein 5; plus strand). Cytogenetic location: 2q23.1.
Variant type: single nucleotide variant.
Coding change: c.3169C>T on transcript NM_001378120.1 (MANE Select); coding-DNA position 3169, C replaced by T.
Protein change: p.Pro1057Ser; replaces proline 1057 with serine.
Molecular consequence: missense variant. On other transcripts: intron variant (1).
Genome position (GRCh38, 1-based): chr2:148,483,760, C>T. VCF-style: chr2-148483760-C-T. GRCh37 (hg19) VCF-style: chr2-149241329-C-T.
Other names: c.2845+324C>T (NM_018328.5); short protein forms P1057S.
Identifiers: ClinVar variation 1694969 (VCV001694969.32), dbSNP rs188449443, ClinGen allele CA1900257.